The following is an entry in ClinVar:

NM_020207.7(ERCC6L2):c.755A>G (p.Glu252Gly)

Gene: ERCC6L2 (ERCC excision repair 6 like 2; plus strand). Cytogenetic location: 9q22.32.
Variant type: single nucleotide variant.
Coding change: c.755A>G on transcript NM_020207.7 (MANE Select); coding-DNA position 755, A replaced by G.
Protein change: p.Glu252Gly; replaces glutamic acid 252 with glycine.
Molecular consequence: missense variant. On other transcripts: non-coding transcript variant (1).
Genome position (GRCh38, 1-based): chr9:95,907,238, A>G. VCF-style: chr9-95907238-A-G. GRCh37 (hg19) VCF-style: chr9-98669520-A-G.
Other names: c.755A>G, p.Glu252Gly (NM_001375292.1, NM_001375293.1, NM_001375294.1 and 2 more transcripts); short protein forms E252G.
Identifiers: ClinVar variation 4825644 (VCV004825644.1).

ClinVar aggregate classification (germline): Uncertain significance (1 of 4 stars; one submission).

Conditions:
Inborn genetic diseases. Identifiers: MedGen C0950123, MeSH D030342.

gnomAD v4.1: 11 of 1,613,122 alleles (0.00068%); highest among the groups gnomAD compares: East Asian, 0.0022%; no homozygotes.

Submission:

Ambry Genetics
Classification: Uncertain significance for Inborn genetic diseases. Last evaluated: 2026-01-24. Review status: criteria provided, single submitter. Criteria: Ambry Variant Classification Scheme 2023. Collection method: clinical testing. Allele origin: germline.
Comment: The p.E252G variant (also known as c.755A>G), located in coding exon 4 of the ERCC6L2 gene, results from an A to G substitution at nucleotide position 755. The glutamic acid at codon 252 is replaced by glycine, an amino acid with similar properties. This amino acid position is conserved. In addition, this alteration is predicted to be deleterious by in silico analysis. Based on the available evidence, the clinical significance of this variant remains unclear.